The following is an entry in ClinVar:

NM_004076.5(CRYBB3):c.157C>A (p.Leu53Met)

Gene: CRYBB3 (crystallin beta B3; plus strand). Cytogenetic location: 22q11.23.
Variant type: single nucleotide variant.
Coding change: c.157C>A on transcript NM_004076.5 (MANE Select); coding-DNA position 157, C replaced by A.
Protein change: p.Leu53Met; replaces leucine 53 with methionine.
Molecular consequence: missense variant.
Genome position (GRCh38, 1-based): chr22:25,202,755, C>A. VCF-style: chr22-25202755-C-A. GRCh37 (hg19) VCF-style: chr22-25598722-C-A.
Other names: short protein forms L53M.
Identifiers: ClinVar variation 1381388 (VCV001381388.6), dbSNP rs1363417170, ClinGen allele CA410984162.
Genomic context (GRCh38, chr22:25,202,755, plus strand): 5'-AACTTCCAAGGCAAACGCTGCGAGCTCTCGGCCGAGTGCCCCAGCCTGACCGACAGCCTG[C>A]TGGAGAAGGTGGGCTCCATCCAAGTGGAGTCCGGGCCGTGAGTACCTAGACCCCCAGTCC-3'
Protein context (NP_004067.1, residues 43-63): AECPSLTDSL[Leu53Met]EKVGSIQVES

ClinVar aggregate classification (germline): Uncertain significance (1 of 4 stars; one submission).

Conditions:
Cataract 22 multiple types. Also called: CATARACT 22, MULTIPLE TYPES, AUTOSOMAL DOMINANT; CATARACT 22, NUCLEAR, AUTOSOMAL RECESSIVE; Cataract 22. Identifiers: Orphanet 91492, MedGen C1857853, MONDO:0012336, OMIM 609741.

Allele frequency attached by ClinVar (database versions not stated): gnomAD exomes below 0.00001.
gnomAD v4.1: 1 of 1,614,060 alleles (0.000062%); highest among the groups gnomAD compares: Non-Finnish European, 0.000085%; no homozygotes.

Submission:

Labcorp Genetics (formerly Invitae), Labcorp
Classification: Uncertain significance for Cataract 22 multiple types. Last evaluated: 2022-03-09. Review status: criteria provided, single submitter. Criteria: Invitae Variant Classification Sherloc (09022015). Collection method: clinical testing. Allele origin: germline.
Comment: This sequence change replaces leucine, which is neutral and non-polar, with methionine, which is neutral and non-polar, at codon 53 of the CRYBB3 protein (p.Leu53Met). This variant is not present in population databases (gnomAD no frequency). This variant has not been reported in the literature in individuals affected with CRYBB3-related conditions. In summary, the available evidence is currently insufficient to determine the role of this variant in disease. Therefore, it has been classified as a Variant of Uncertain Significance. Algorithms developed to predict the effect of missense changes on protein structure and function output the following: SIFT: "Deleterious"; PolyPhen-2: "Possibly Damaging"; Align-GVGD: "Class C0". The methionine amino acid residue is found in multiple mammalian species, which suggests that this missense change does not adversely affect protein function.